The following is an entry in ClinVar:

NM_001754.5(RUNX1):c.509-10G>A

Genes: RUNX1 (RUNX family transcription factor 1; minus strand), RUNX1-AS1 (RUNX1 antisense RNA 1; plus strand). Cytogenetic location: 21q22.12.
Variant type: single nucleotide variant.
Coding change: c.509-10G>A on transcript NM_001754.5 (MANE Select); 10 bases into the intron before coding-DNA position 509, G replaced by A.
Molecular consequence: intron variant.
Genome position (GRCh38, 1-based): chr21:34,859,588, C>T on the plus strand (G>A on the coding strand, the complement: RUNX1 is on the minus strand). VCF-style: chr21-34859588-C-T. GRCh37 (hg19) VCF-style: chr21-36231885-C-T.
Other names: c.428-10G>A (NM_001001890.3, NM_001122607.2).
Identifiers: ClinVar variation 1146443 (VCV001146443.11), dbSNP rs2146237170, ClinGen allele CA2499225876.

ClinVar aggregate classification (germline): Likely benign. Review status: reviewed by expert panel (3 of 4 stars). 2 submissions from 2 submitters: Likely benign (1). 1 of the submissions does not count toward it. Last evaluated 2024-06-24.

Conditions:
Hereditary thrombocytopenia and hematological cancer predisposition syndrome associated with RUNX1. Also called: Familial Platelet Disorder with Propensity to Acute Myelogenous Leukemia; Familial thrombocytopenia with propensity to acute myelogenous leukemia; PLATELET DISORDER, ASPIRIN-LIKE; RUNX1 Familial Platelet Disorder with Associated Myeloid Malignancies. Identifiers: Orphanet 71290, MedGen C1832388, MeSH C563324, MONDO:0100083, OMIM 601399.
Hereditary thrombocytopenia and hematologic cancer predisposition syndrome. Identifiers: Orphanet 71290, MedGen CN281654, MONDO:0011071.

Submissions (2):

ClinGen Myeloid Malignancy Variant Curation Expert Panel
Classification: Likely benign for Hereditary thrombocytopenia and hematologic cancer predisposition syndrome. Last evaluated: 2024-06-24. Review status: reviewed by expert panel. Criteria: ClinGen MyeloMalig ACMG Specifications v2. Collection method: curation. Allele origin: germline. Inheritance: Autosomal dominant inheritance.
Comment: This variant is completely absent from all population databases with at least 20x coverage for RUNX1 (PM2_supporting). This synonymous/intronic/UTR/frameshift variant has a SpliceAI score ≤ 0.20 (0) (BP4). Evolutionary conservation prediction algorithms predict the site as not being conserved (PhyloP score -0.3 < 2.0) (BP7). In summary, this variant meets criteria to be classified as likely benign. ACMG/AMP criteria applied, as specified by the Myeloid Malignancy Variant Curation Expert Panel for RUNX1: BP4, BP7, PM2_supporting.

Labcorp Genetics (formerly Invitae), Labcorp
Classification: Likely benign for Hereditary thrombocytopenia and hematological cancer predisposition syndrome associated with RUNX1. Last evaluated: 2022-01-27. Review status: criteria provided, single submitter. Criteria: Invitae Variant Classification Sherloc (09022015). Collection method: clinical testing. Allele origin: germline. Not counted in ClinVar's aggregate classification.